The following is an entry in ClinVar:

NM_001040142.2(SCN2A):c.2748T>G (p.Asn916Lys)

Gene: SCN2A (sodium voltage-gated channel alpha subunit 2; plus strand). Cytogenetic location: 2q24.3.
Variant type: single nucleotide variant.
Coding change: c.2748T>G on transcript NM_001040142.2 (MANE Select); coding-DNA position 2748, T replaced by G.
Protein change: p.Asn916Lys; replaces asparagine 916 with lysine.
Molecular consequence: missense variant.
Genome position (GRCh38, 1-based): chr2:165,344,740, T>G. VCF-style: chr2-165344740-T-G. GRCh37 (hg19) VCF-style: chr2-166201250-T-G.
Other names: c.2748T>G, p.Asn916Lys (NM_001040143.2, NM_001371246.1, NM_001371247.1 and 1 more transcripts); short protein forms N916K.
Identifiers: ClinVar variation 4789341 (VCV004789341.1).

ClinVar aggregate classification (germline): Uncertain significance (1 of 4 stars; one submission).

Conditions:
Developmental and epileptic encephalopathy, 11 (DEE11). Also called: Early infantile epileptic encephalopathy 11. Identifiers: Orphanet 1934, MedGen C3150987, MONDO:0013388, OMIM 613721.
Seizures, benign familial infantile, 3 (BFIS3). Also called: CONVULSIONS, BENIGN FAMILIAL INFANTILE, 3; Familial neonatal seizures. Identifiers: Orphanet 140927, Orphanet 306, MedGen C1843140, MONDO:0011904, OMIM 607745.

gnomAD v4.1: 2 of 1,614,146 alleles (0.00012%); highest among the groups gnomAD compares: Middle Eastern, 0.033%; no homozygotes.

Submission:

Labcorp Genetics (formerly Invitae), Labcorp
Classification: Uncertain significance for Seizures, benign familial infantile, 3; Developmental and epileptic encephalopathy, 11. Last evaluated: 2025-09-14. Review status: criteria provided, single submitter. Criteria: Invitae Variant Classification Sherloc (09022015). Collection method: clinical testing. Allele origin: germline.
Comment: This sequence change replaces asparagine, which is neutral and polar, with lysine, which is basic and polar, at codon 916 of the SCN2A protein (p.Asn916Lys). This variant is not present in population databases (gnomAD no frequency). This variant has not been reported in the literature in individuals affected with SCN2A-related conditions. Invitae Evidence Modeling of protein sequence and biophysical properties (such as structural, functional, and spatial information, amino acid conservation, physicochemical variation, residue mobility, and thermodynamic stability) indicates that this missense variant is not expected to disrupt SCN2A protein function with a negative predictive value of 95%. In summary, the available evidence is currently insufficient to determine the role of this variant in disease. Therefore, it has been classified as a Variant of Uncertain Significance.